The following is an entry in ClinVar:

ClinVar aggregate classification (germline): Conflicting classifications of pathogenicity. Review status: criteria provided, conflicting classifications (1 of 4 stars). 2 submissions from 2 submitters: Uncertain significance (1); Likely benign (1). Last evaluated 2023-03-23.

Conditions:
Hereditary cancer-predisposing syndrome. Also called: Tumor predisposition; Hereditary neoplastic syndrome; Neoplastic Syndromes, Hereditary; Hereditary Cancer Syndrome. Identifiers: Orphanet 140162, MedGen C0027672, MeSH D009386, MONDO:0015356.

Submissions (2):

University of Washington Department of Laboratory Medicine, University of Washington
Classification: Likely benign for Hereditary cancer-predisposing syndrome. Last evaluated: 2023-03-23. Review status: criteria provided, single submitter. Criteria: Dines et al. (Genet Med. 2020). Collection method: curation. Allele origin: germline.
Comment: Missense variant in a coldspot region where missense variants are very unlikely to be pathogenic (PMID:31911673).

BRCA1 coldspot (exon 11 using historical exon numbering). Reclassification based on statistical prior probability

CeGaT Center for Human Genetics Tuebingen
Classification: Uncertain significance. Last evaluated: 2020-10-01. Review status: criteria provided, single submitter. Criteria: CeGaT Center For Human Genetics Tuebingen Variant Classification Criteria Version 2. Collection method: clinical testing. Allele origin: germline. Affected: yes. Observed: 1 variant allele.

NM_007294.4(BRCA1):c.1528T>G (p.Ser510Ala)

Gene: BRCA1 (BRCA1 DNA repair associated; minus strand). Cytogenetic location: 17q21.31.
Variant type: single nucleotide variant.
Coding change: c.1528T>G on transcript NM_007294.4 (MANE Select); coding-DNA position 1528, T replaced by G.
Protein change: p.Ser510Ala; replaces serine 510 with alanine.
Molecular consequence: missense variant. On other transcripts: intron variant (137).
Genome position (GRCh38, 1-based): chr17:43,094,003, A>C on the plus strand (T>G on the coding strand, the complement: BRCA1 is on the minus strand). VCF-style: chr17-43094003-A-C. GRCh37 (hg19) VCF-style: chr17-41246020-A-C.
Other names: c.1525T>G, p.Ser509Ala (NM_001407613.1, NM_001407614.1, NM_001407615.1 and 22 more transcripts); c.1528T>G, p.Ser510Ala (NM_001407616.1, NM_001407617.1, NM_001407618.1 and 30 more transcripts); c.1450T>G, p.Ser484Ala (NM_001407654.1, NM_001407655.1, NM_001407656.1 and 4 more transcripts); c.1447T>G, p.Ser483Ala (NM_001407659.1, NM_001407660.1, NM_001407661.1 and 1 more transcripts); c.1402T>G, p.Ser468Ala (NM_001407673.1, NM_001407649.1, NM_001407670.1 and 11 more transcripts); c.1405T>G, p.Ser469Ala (NM_001407674.1, NM_001407675.1, NM_001407676.1 and 19 more transcripts); c.1387T>G, p.Ser463Ala (NM_001407692.1, NM_001407694.1, NM_001407695.1 and 29 more transcripts); c.1384T>G, p.Ser462Ala (NM_001407740.1, NM_001407741.1, NM_001407742.1 and 20 more transcripts); and 40 more; short protein forms S463A, S510A, S421A, S422A, S439A, S440A, S443A, S483A.
Identifiers: ClinVar variation 1012905 (VCV001012905.41), dbSNP rs777916645, ClinGen allele CA10598991.